The following is an entry in ClinVar:

ClinVar aggregate classification (germline): Benign. Review status: criteria provided, multiple submitters, no conflicts (2 of 4 stars). 3 submissions from 3 submitters: Benign (2). 1 of the submissions does not count toward it. Last evaluated 2025-12-31.

Conditions:
PHKA1-related disorder. Also called: PHKA1-related condition.
Glycogen storage disease IXd (GSD9D). Also called: GSD IXd; Muscle Phosphorylase Kinase Deficiency. Identifiers: Orphanet 715, MedGen C1845151, MONDO:0010362, OMIM 300559.

Allele frequency attached by ClinVar (database versions not stated): gnomAD exomes 0.00007 and 0.00019; ExAC 0.00027; 1000 Genomes Project 0.00053; 1000 Genomes Project 30x 0.00062; gnomAD 0.00084 and 0.00094; ESP Exome Variant Server 0.00085; TOPMed 0.00091.
gnomAD v4.1: 175 of 1,205,185 alleles (0.015%); highest among the groups gnomAD compares: African/African-American, 0.27%; no homozygotes.

Submissions (3):

Labcorp Genetics (formerly Invitae), Labcorp
Classification: Benign for Glycogen storage disease IXd. Last evaluated: 2025-12-31. Review status: criteria provided, single submitter. Criteria: Invitae Variant Classification Sherloc (09022015). Collection method: clinical testing. Allele origin: germline.

Illumina Laboratory Services, Illumina
Classification: Benign for Glycogen storage disease IXd. Last evaluated: 2018-01-13. Review status: criteria provided, single submitter. Criteria: ICSL Variant Classification Criteria 13 December 2019. Collection method: clinical testing. Allele origin: germline.
Comment: This variant was observed in the ICSL laboratory as part of a predisposition screen in an ostensibly healthy population. It had not been previously curated by ICSL or reported in the Human Gene Mutation Database (HGMD: prior to June 1st, 2018), and was therefore a candidate for classification through an automated scoring system. Utilizing variant allele frequency, disease prevalence and penetrance estimates, and inheritance mode, an automated score was calculated to assess if this variant is too frequent to cause the disease. Based on the score and internal cut-off values, a variant classified as benign is not then subjected to further curation. The score for this variant resulted in a classification of benign for this disease.

PreventionGenetics, part of Exact Sciences
Classification: Likely benign for PHKA1-related condition. Last evaluated: 2023-04-26. Review status: no assertion criteria provided. Collection method: clinical testing. Allele origin: germline. Not counted in ClinVar's aggregate classification.
Comment: This variant is classified as likely benign based on ACMG/AMP sequence variant interpretation guidelines (Richards et al. 2015 PMID: 25741868, with internal and published modifications).

NM_002637.4(PHKA1):c.3435C>T (p.Ile1145=)

Gene: PHKA1 (phosphorylase kinase regulatory subunit alpha 1; minus strand). Cytogenetic location: Xq13.1.
Variant type: single nucleotide variant.
Coding change: c.3435C>T on transcript NM_002637.4 (MANE Select); coding-DNA position 3435, C replaced by T.
Protein change: p.Ile1145=; no amino-acid change (isoleucine 1145 retained).
Molecular consequence: synonymous variant.
Genome position (GRCh38, 1-based): chrX:72,582,461, G>A on the plus strand (C>T on the coding strand, the complement: PHKA1 is on the minus strand). VCF-style: chrX-72582461-G-A. GRCh37 (hg19) VCF-style: chrX-71802311-G-A.
Other names: c.3396C>T, p.Ile1132= (NM_001122670.2); c.3219C>T, p.Ile1073= (NM_001172436.2).
Identifiers: ClinVar variation 368645 (VCV000368645.15), dbSNP rs148981522, ClinGen allele CA10450461.
Genomic context (GRCh38, chrX:72,582,461, plus strand): 5'-TTCTTGAAGGAACAAGTCATTGGCAATATGCACTATTTTTTCCACAGCAATGATGCTTCC[G>A]ATGCTATGAATTTCAATATCTGCCAGCATGGTGAGGACAAGGATGGCTTCAACCAGCAGC-3'
Protein context (NP_002628.2, residues 1135-1155): TMLADIEIHS[Ile1145=]GSIIAVEKIV